The following is an entry in ClinVar:

NM_001369.3(DNAH5):c.11611_11612del (p.Ile3871fs)

Gene: DNAH5 (dynein axonemal heavy chain 5; minus strand). Cytogenetic location: 5p15.2.
Variant type: Microsatellite.
Coding change: c.11611_11612del on transcript NM_001369.3 (MANE Select); coding-DNA positions 11611 to 11612, 2 bases deleted (AT; older notation c.11611_11612delAT).
Protein change: p.Ile3871fs; shifts the reading frame from isoleucine 3871.
Molecular consequence: frameshift variant.
Genome position (GRCh38, 1-based): chr5:13,735,280-13,735,281, AT deleted on the plus strand (AT on the coding strand, the reverse complement: DNAH5 is on the minus strand); deleting any 2 consecutive bases within chr5:13,735,280-13,735,283 gives the same sequence; the c. name uses the placement nearest the transcript's 3' end. VCF-style (leftmost placement, unchanged base first): chr5-13735279-GAT-G. GRCh37 (hg19) VCF-style: chr5-13735388-GAT-G.
Other names: short protein forms I3871fs.
Identifiers: ClinVar variation 1736692 (VCV001736692.3), dbSNP rs2546561572, ClinGen allele CA2580613515.

ClinVar aggregate classification (germline): Pathogenic. Review status: criteria provided, multiple submitters, no conflicts (2 of 4 stars). 2 submissions from 2 submitters: Pathogenic (2). Last evaluated 2025-03-20.

Conditions:
Primary ciliary dyskinesia. Also called: Ciliary dyskinesia. Identifiers: Orphanet 244, MedGen C0008780, MONDO:0016575, HP:0012265.

Submissions (2):

Labcorp Genetics (formerly Invitae), Labcorp
Classification: Pathogenic for Primary ciliary dyskinesia. Last evaluated: 2025-03-20. Review status: criteria provided, single submitter. Criteria: Invitae Variant Classification Sherloc (09022015). Collection method: clinical testing. Allele origin: germline.
Comment: This sequence change creates a premature translational stop signal (p.Ile3871Hisfs*10) in the DNAH5 gene. It is expected to result in an absent or disrupted protein product. Loss-of-function variants in DNAH5 are known to be pathogenic (PMID: 11788826, 16627867). This variant is not present in population databases (gnomAD no frequency). This variant has not been reported in the literature in individuals affected with DNAH5-related conditions. For these reasons, this variant has been classified as Pathogenic.

Ambry Genetics
Classification: Pathogenic for Primary ciliary dyskinesia. Last evaluated: 2021-03-17. Review status: criteria provided, single submitter. Criteria: Ambry Variant Classification Scheme 2023. Collection method: clinical testing. Allele origin: germline.
Comment: The c.11611_11612delAT pathogenic mutation, located in coding exon 68 of the DNAH5 gene, results from a deletion of two nucleotides at nucleotide positions 11611 to 11612, causing a translational frameshift with a predicted alternate stop codon (p.I3871Hfs*10). This alteration is expected to result in loss of function by premature protein truncation or nonsense-mediated mRNA decay. As such, this alteration is interpreted as a disease-causing mutation.

Literature cited by the submitters: PubMed 11788826 (cited by Labcorp Genetics (formerly Invitae), Labcorp); PubMed 16627867 (cited by Labcorp Genetics (formerly Invitae), Labcorp).